The following is an entry in ClinVar:

ClinVar aggregate classification (germline): Likely benign. Review status: criteria provided, single submitter (1 of 4 stars). 2 submissions from 2 submitters: Likely benign (1). 1 of the submissions does not count toward it. Last evaluated 2024-01-11.

Conditions:
CCDC88C-related disorder. Also called: CCDC88C-Related Disorders; CCDC88C-related condition.

Allele frequency attached by ClinVar (database versions not stated): TOPMed below 0.00001.
gnomAD v4.1: 12 of 1,531,676 alleles (0.00078%); highest among the groups gnomAD compares: Non-Finnish European, 0.0011%; no homozygotes.

Submissions (2):

Labcorp Genetics (formerly Invitae), Labcorp
Classification: Likely benign. Last evaluated: 2024-01-11. Review status: criteria provided, single submitter. Criteria: Invitae Variant Classification Sherloc (09022015). Collection method: clinical testing. Allele origin: germline.

PreventionGenetics, part of Exact Sciences
Classification: Likely benign for CCDC88C-related condition. Last evaluated: 2024-05-20. Review status: no assertion criteria provided. Collection method: clinical testing. Allele origin: germline. Not counted in ClinVar's aggregate classification.
Comment: This variant is classified as likely benign based on ACMG/AMP sequence variant interpretation guidelines (Richards et al. 2015 PMID: 25741868, with internal and published modifications).

NM_001080414.4(CCDC88C):c.5337G>A (p.Leu1779=)

Gene: CCDC88C (coiled-coil and HOOK domain protein 88C; minus strand). Cytogenetic location: 14q32.11.
Variant type: single nucleotide variant.
Coding change: c.5337G>A on transcript NM_001080414.4 (MANE Select); coding-DNA position 5337, G replaced by A.
Protein change: p.Leu1779=; no amino-acid change (leucine 1779 retained).
Molecular consequence: synonymous variant.
Genome position (GRCh38, 1-based): chr14:91,273,375, C>T on the plus strand (G>A on the coding strand, the complement: CCDC88C is on the minus strand). VCF-style: chr14-91273375-C-T. GRCh37 (hg19) VCF-style: chr14-91739719-C-T.
Other names: c.5337G>A (NM_001080414.3).
Identifiers: ClinVar variation 2873476 (VCV002873476.4), dbSNP rs1259273348, ClinGen allele CA487829126.
Genomic context (GRCh38, chr14:91,273,375, plus strand): 5'-GGCACTGCGGCTGGCAGGTGCATGGGAAGCTGGGGGCACCGGAGCCTGCCGGGGTCTGCC[C>T]AGAGACAGGCTCTGGGGAGGCTGGGCCTGTCTCGGGGCCACGCTGGGTGGGGCCTCGGCC-3'
Protein context (NP_001073883.2, residues 1769-1789): RQAQPPQSLS[Leu1779=]GRPRQAPVPP